The following is an entry in ClinVar:

ClinVar aggregate classification (germline): Conflicting classifications of pathogenicity. Review status: criteria provided, conflicting classifications (1 of 4 stars). 4 submissions from 4 submitters: Uncertain significance (3); Likely benign (1). Last evaluated 2025-11-22.

Conditions:
Retinoblastoma (RB1). Also called: RETINOBLASTOMA, SOMATIC. Identifiers: Orphanet 790, MedGen C0035335, MeSH D012175, MONDO:0008380, OMIM 180200, HP:0009919. Disease mechanism: loss of function. Inheritance: Both sporadic and heritable forms are tested..
Hereditary cancer-predisposing syndrome. Also called: Tumor predisposition; Hereditary Cancer Syndrome; Hereditary neoplastic syndrome; Neoplastic Syndromes, Hereditary. Identifiers: Orphanet 140162, MedGen C0027672, MeSH D009386, MONDO:0015356.

Allele frequency attached by ClinVar (database versions not stated): ExAC 0.00001; gnomAD 0.00001; gnomAD exomes 0.00001; TOPMed 0.00001.

Submissions (4):

Labcorp Genetics (formerly Invitae), Labcorp
Classification: Uncertain significance for Retinoblastoma. Last evaluated: 2025-11-22. Review status: criteria provided, single submitter. Criteria: Invitae Variant Classification Sherloc (09022015). Collection method: clinical testing. Allele origin: germline.
Comment: This sequence change replaces valine, which is neutral and non-polar, with isoleucine, which is neutral and non-polar, at codon 205 of the RB1 protein (p.Val205Ile). This variant is present in population databases (rs770100636, gnomAD 0.002%). This variant has not been reported in the literature in individuals affected with RB1-related conditions. ClinVar contains an entry for this variant (Variation ID: 410919). Invitae Evidence Modeling of protein sequence and biophysical properties (such as structural, functional, and spatial information, amino acid conservation, physicochemical variation, residue mobility, and thermodynamic stability) indicates that this missense variant is not expected to disrupt RB1 protein function with a negative predictive value of 80%. In summary, the available evidence is currently insufficient to determine the role of this variant in disease. Therefore, it has been classified as a Variant of Uncertain Significance.

Color Diagnostics, LLC DBA Color Health
Classification: Uncertain significance for Retinoblastoma. Last evaluated: 2025-06-12. Review status: criteria provided, single submitter. Criteria: ACMG Guidelines, 2015. Collection method: clinical testing. Allele origin: germline.
Comment: This missense variant replaces valine with isoleucine at codon 205 of the RB1 protein. Computational prediction suggests that this variant may not impact protein structure and function. To our knowledge, functional studies have not been reported for this variant. This variant has not been reported in individuals affected with RB1-related disorders in the literature. This variant has been identified in 3/281170 chromosomes in the general population by the Genome Aggregation Database (gnomAD). The available evidence is insufficient to determine the role of this variant in disease conclusively. Therefore, this variant is classified as a Variant of Uncertain Significance.

GeneDx
Classification: Uncertain significance. Last evaluated: 2025-03-06. Review status: criteria provided, single submitter. Criteria: GeneDx Variant Classification Process June 2021. Collection method: clinical testing. Allele origin: germline. Affected: yes.
Comment: Not observed at significant frequency in large population cohorts (gnomAD); In silico analysis indicates that this missense variant does not alter protein structure/function; Has not been previously published as pathogenic or benign to our knowledge; This variant is associated with the following publications: (PMID: 23516486)

Ambry Genetics
Classification: Likely benign for Hereditary cancer-predisposing syndrome. Last evaluated: 2024-01-16. Review status: criteria provided, single submitter. Criteria: Ambry Variant Classification Scheme 2023. Collection method: clinical testing. Allele origin: germline.

NM_000321.3(RB1):c.613G>A (p.Val205Ile)

Gene: RB1 (RB transcriptional corepressor 1; plus strand). Cytogenetic location: 13q14.2.
Variant type: single nucleotide variant.
Coding change: c.613G>A on transcript NM_000321.3 (MANE Select); coding-DNA position 613, G replaced by A.
Protein change: p.Val205Ile; replaces valine 205 with isoleucine.
Molecular consequence: missense variant.
Genome position (GRCh38, 1-based): chr13:48,360,022, G>A. VCF-style: chr13-48360022-G-A. GRCh37 (hg19) VCF-style: chr13-48934158-G-A.
Other names: short protein forms V205I.
Identifiers: ClinVar variation 410919 (VCV000410919.17), dbSNP rs770100636, ClinGen allele CA039119.